The following is an entry in ClinVar:

ClinVar aggregate classification (germline): Uncertain significance. Review status: criteria provided, single submitter (1 of 4 stars). 2 submissions from 2 submitters: Uncertain significance (1). 1 of the submissions does not count toward it. Last evaluated 2025-11-21.

Conditions:
Rubinstein-Taybi syndrome (RSTS). Identifiers: Orphanet 783, MedGen C0035934, MONDO:0019188.
CREBBP-related disorder. Also called: CREBBP-related disorders; CREBBP-related condition.

Allele frequency attached by ClinVar (database versions not stated): gnomAD 0.00001; ESP Exome Variant Server 0.00008.
gnomAD v4.1: 58 of 1,594,950 alleles (0.0036%); highest among the groups gnomAD compares: East Asian, 0.018%; no homozygotes.

Submissions (2):

Labcorp Genetics (formerly Invitae), Labcorp
Classification: Uncertain significance for Rubinstein-Taybi syndrome. Last evaluated: 2025-11-21. Review status: criteria provided, single submitter. Criteria: Invitae Variant Classification Sherloc (09022015). Collection method: clinical testing. Allele origin: germline.
Comment: This sequence change replaces glycine, which is neutral and non-polar, with arginine, which is basic and polar, at codon 2019 of the CREBBP protein (p.Gly2019Arg). This variant is present in population databases (rs372852842, gnomAD 0.02%). This variant has not been reported in the literature in individuals affected with CREBBP-related conditions. ClinVar contains an entry for this variant (Variation ID: 2156485). Invitae Evidence Modeling of protein sequence and biophysical properties (such as structural, functional, and spatial information, amino acid conservation, physicochemical variation, residue mobility, and thermodynamic stability) indicates that this missense variant is not expected to disrupt CREBBP protein function with a negative predictive value of 95%. In summary, the available evidence is currently insufficient to determine the role of this variant in disease. Therefore, it has been classified as a Variant of Uncertain Significance.

PreventionGenetics, part of Exact Sciences
Classification: Uncertain significance for CREBBP-related condition. Last evaluated: 2024-01-10. Review status: no assertion criteria provided. Collection method: clinical testing. Allele origin: germline. Not counted in ClinVar's aggregate classification.
Comment: The CREBBP c.6055G>A variant is predicted to result in the amino acid substitution p.Gly2019Arg. To our knowledge, this variant has not been reported in the literature. This variant is reported in 0.027% of alleles in individuals of East Asian descent in gnomAD. At this time, the clinical significance of this variant is uncertain due to the absence of conclusive functional and genetic evidence.

NM_004380.3(CREBBP):c.6055G>A (p.Gly2019Arg)

Gene: CREBBP (CREB binding lysine acetyltransferase; minus strand). Cytogenetic location: 16p13.3.
Variant type: single nucleotide variant.
Coding change: c.6055G>A on transcript NM_004380.3 (MANE Select); coding-DNA position 6055, G replaced by A.
Protein change: p.Gly2019Arg; replaces glycine 2019 with arginine.
Molecular consequence: missense variant.
Genome position (GRCh38, 1-based): chr16:3,728,992, C>T on the plus strand (G>A on the coding strand, the complement: CREBBP is on the minus strand). VCF-style: chr16-3728992-C-T. GRCh37 (hg19) VCF-style: chr16-3778993-C-T.
Other names: c.5941G>A, p.Gly1981Arg (NM_001079846.1); c.6055G>A (NM_004380.2); short protein forms G2019R, G1981R.
Identifiers: ClinVar variation 2156485 (VCV002156485.6), dbSNP rs372852842, ClinGen allele CA7869189.
Genomic context (GRCh38, chr16:3,728,992, plus strand): 5'-CAGGCCTGGGCAAGCCTGGCATGGGCTGCTGCTGGGGAAGGGGCGCCTGCTGCCACTGCC[C>T]GGGAGGCATGCTGGGCATGACGGGCCCGCTCACCTGGTTGGGTCGGGGCACATTCAGGCT-3'
Protein context (NP_004371.2, residues 2009-2029): SGPVMPSMPP[Gly2019Arg]QWQQAPLPQQ